The following is an entry in ClinVar:

NM_022552.5(DNMT3A):c.2598G>C (p.Arg866Ser)

Gene: DNMT3A (DNA methyltransferase 3 alpha; minus strand). Cytogenetic location: 2p23.3.
Variant type: single nucleotide variant.
Coding change: c.2598G>C on transcript NM_022552.5 (MANE Select); coding-DNA position 2598, G replaced by C.
Protein change: p.Arg866Ser; replaces arginine 866 with serine.
Molecular consequence: missense variant. On other transcripts: non-coding transcript variant (1).
Genome position (GRCh38, 1-based): chr2:25,234,420, C>G on the plus strand (G>C on the coding strand, the complement: DNMT3A is on the minus strand). VCF-style: chr2-25234420-C-G. GRCh37 (hg19) VCF-style: chr2-25457289-C-G.
Other names: c.2142G>C, p.Arg714Ser (NM_001320893.1); c.1929G>C, p.Arg643Ser (NM_001375819.1); c.2031G>C, p.Arg677Ser (NM_153759.3); c.2598G>C, p.Arg866Ser (NM_175629.2); short protein forms R643S, R677S, R714S, R866S.
Identifiers: ClinVar variation 3776602 (VCV003776602.1).

ClinVar aggregate classification (germline): Uncertain significance (1 of 4 stars; one submission).

Submission:

GeneDx
Classification: Uncertain significance. Last evaluated: 2024-10-02. Review status: criteria provided, single submitter. Criteria: GeneDx Variant Classification Process June 2021. Collection method: clinical testing. Allele origin: germline. Affected: yes.
Comment: Not observed at significant frequency in large population cohorts (gnomAD); In silico analysis supports that this missense variant has a deleterious effect on protein structure/function; Has not been previously published as pathogenic or benign to our knowledge